The following is an entry in ClinVar:

NM_001375405.1(CEP120):c.508G>C (p.Val170Leu)

Gene: CEP120 (centrosomal protein 120; minus strand). Cytogenetic location: 5q23.2.
Variant type: single nucleotide variant.
Coding change: c.508G>C on transcript NM_001375405.1 (MANE Select); coding-DNA position 508, G replaced by C.
Protein change: p.Val170Leu; replaces valine 170 with leucine.
Molecular consequence: missense variant. On other transcripts: 5 prime UTR variant (2), non-coding transcript variant (1).
Genome position (GRCh38, 1-based): chr5:123,399,240, C>G on the plus strand (G>C on the coding strand, the complement: CEP120 is on the minus strand). VCF-style: chr5-123399240-C-G. GRCh37 (hg19) VCF-style: chr5-122734934-C-G.
Other names: c.430G>C, p.Val144Leu (NM_001166226.2); c.508G>C, p.Val170Leu (NM_001375406.1, NM_001375407.1, NM_153223.4); c.-66G>C (NM_001375408.1, NM_001375409.1); short protein forms V144L, V170L.
Identifiers: ClinVar variation 1475906 (VCV001475906.6), dbSNP rs756502328, ClinGen allele CA3387204.

ClinVar aggregate classification (germline): Uncertain significance (1 of 4 stars; one submission).

Conditions:
Short-rib thoracic dysplasia 13 with or without polydactyly (SRTD13). Identifiers: Orphanet 474, MedGen C4225378, MONDO:0014577, OMIM 616300.

Allele frequency attached by ClinVar (database versions not stated): ExAC 0.00001; gnomAD exomes 0.00001.
gnomAD v4.1: 12 of 1,614,116 alleles (0.00074%); highest among the groups gnomAD compares: Admixed American, 0.0017%; no homozygotes.

Submission:

Labcorp Genetics (formerly Invitae), Labcorp
Classification: Uncertain significance for Short-rib thoracic dysplasia 13 with or without polydactyly. Last evaluated: 2022-07-19. Review status: criteria provided, single submitter. Criteria: Invitae Variant Classification Sherloc (09022015). Collection method: clinical testing. Allele origin: germline.
Comment: This sequence change replaces valine, which is neutral and non-polar, with leucine, which is neutral and non-polar, at codon 170 of the CEP120 protein (p.Val170Leu). This variant is present in population databases (rs756502328, gnomAD 0.003%). This variant has not been reported in the literature in individuals affected with CEP120-related conditions. ClinVar contains an entry for this variant (Variation ID: 1475906). Algorithms developed to predict the effect of missense changes on protein structure and function are either unavailable or do not agree on the potential impact of this missense change (SIFT: "Deleterious"; PolyPhen-2: "Benign"; Align-GVGD: "Class C0"). In summary, the available evidence is currently insufficient to determine the role of this variant in disease. Therefore, it has been classified as a Variant of Uncertain Significance.